The following is an entry in ClinVar:

ClinVar aggregate classification (germline): Pathogenic/Likely pathogenic. Review status: criteria provided, multiple submitters, no conflicts (2 of 4 stars). 2 submissions from 2 submitters: Pathogenic (1); Likely pathogenic (1). Last evaluated 2025-05-27.

Submissions (3):

GeneDx
Classification: Likely pathogenic. Last evaluated: 2025-05-27. Review status: criteria provided, single submitter. Criteria: GeneDx Variant Classification Process June 2021. Collection method: clinical testing. Allele origin: germline. Affected: yes.
Comment: Nonsense variant predicted to result in protein truncation or nonsense mediated decay in a gene for which loss of function is a known mechanism of disease; Not observed at significant frequency in large population cohorts (gnomAD); Has not been previously published as pathogenic or benign to our knowledge

Eurofins Ntd Llc (ga)
Classification: Pathogenic. Last evaluated: 2016-07-27. Review status: criteria provided, single submitter. Criteria: EGL Classification Definitions 2015. Collection method: clinical testing. Allele origin: germline. Observed: 1 variant allele, 1 hemizygote.

Dr. Peter K. Rogan Lab, Western University
No classification provided (evidence only). Condition: Thyroid cancer, nonmedullary, 1. Review status: no classification provided. Collection method: in vitro. Allele origin: not applicable. Functional consequence: retained intron. Not counted in ClinVar's aggregate classification.

NM_001159699.2(FHL1):c.261C>A (p.Cys87Ter)

Gene: FHL1 (four and a half LIM domains 1; plus strand). Cytogenetic location: Xq26.3.
Variant type: single nucleotide variant.
Coding change: c.261C>A on transcript NM_001159699.2 (MANE Select); coding-DNA position 261, C replaced by A.
Protein change: p.Cys87Ter; replaces cysteine 87 with a stop codon.
Molecular consequence: nonsense. On other transcripts: non-coding transcript variant (1).
Genome position (GRCh38, 1-based): chrX:136,207,072, C>A. VCF-style: chrX-136207072-C-A. GRCh37 (hg19) VCF-style: chrX-135289231-C-A.
Other names: NC_000023.10:g.135289231C>A; c.213C>A, p.Cys71Ter (NM_001159700.2, NM_001159702.3, NM_001159703.2 and 9 more transcripts); c.300C>A, p.Cys100Ter (NM_001159701.2); c.261C>A, p.Cys87Ter (NM_001330659.2); short protein forms C71*, C87*, C100*.
Identifiers: ClinVar variation 289682 (VCV000289682.7), dbSNP rs886044238, ClinGen allele CA10606517.
Genomic context (GRCh38, chrX:136,207,072, plus strand): 5'-CCAGGAGGTGCACTATAAGAACCGCTTCTGGCATGACACCTGCTTCCGCTGTGCCAAGTG[C>A]CTTCACCCCTTGGCCAATGAGACCTTTGTGGCCAAGGACAACAAGATCCTGTGCAACAAG-3'